The following is an entry in ClinVar:

ClinVar aggregate classification (germline): Likely pathogenic (1 of 4 stars; one submission).

Submission:

Labcorp Genetics (formerly Invitae), Labcorp
Classification: Likely pathogenic. Last evaluated: 2025-06-10. Review status: criteria provided, single submitter. Criteria: Invitae Variant Classification Sherloc (09022015). Collection method: clinical testing. Allele origin: germline.
Comment: This sequence change replaces leucine, which is neutral and non-polar, with phenylalanine, which is neutral and non-polar, at codon 81 of the AVPR2 protein (p.Leu81Phe). This variant is not present in population databases (gnomAD no frequency). This missense change has been observed in individuals with diabetes insipidus (PMID: 9853256; internal data). Invitae Evidence Modeling of protein sequence and biophysical properties (such as structural, functional, and spatial information, amino acid conservation, physicochemical variation, residue mobility, and thermodynamic stability) indicates that this missense variant is expected to disrupt AVPR2 protein function with a positive predictive value of 80%. In summary, the currently available evidence indicates that the variant is pathogenic, but additional data are needed to prove that conclusively. Therefore, this variant has been classified as Likely Pathogenic.

Literature cited by the submitters: PubMed 9853256.

NM_000054.7(AVPR2):c.243G>T (p.Leu81Phe)

Gene: AVPR2 (arginine vasopressin receptor 2; plus strand). Cytogenetic location: Xq28.
Variant type: single nucleotide variant.
Coding change: c.243G>T on transcript NM_000054.7 (MANE Select); coding-DNA position 243, G replaced by T.
Protein change: p.Leu81Phe; replaces leucine 81 with phenylalanine.
Molecular consequence: missense variant.
Genome position (GRCh38, 1-based): chrX:153,905,749, G>T. VCF-style: chrX-153905749-G-T. GRCh37 (hg19) VCF-style: chrX-153171203-G-T.
Other names: c.243G>T, p.Leu81Phe (NM_001146151.3); short protein forms L81F.
Identifiers: ClinVar variation 4728941 (VCV004728941.1).
Genomic context (GRCh38, chrX:153,905,749, plus strand): 5'-CCTAGCTCGGCGGGGCCGGCGGGGCCACTGGGCACCCATACACGTCTTCATTGGCCACTT[G>T]TGCCTGGCCGACCTGGCCGTGGCTCTGTTCCAAGTGCTGCCCCAGCTGGCCTGGAAGGCC-3'
Protein context (NP_000045.1, residues 71-91): WAPIHVFIGH[Leu81Phe]CLADLAVALF